The following is an entry in ClinVar:

NM_152415.3(VPS37A):c.892T>A (p.Leu298Ile)

Gene: VPS37A (VPS37A subunit of ESCRT-I; plus strand). Cytogenetic location: 8p22.
Variant type: single nucleotide variant.
Coding change: c.892T>A on transcript NM_152415.3 (MANE Select); coding-DNA position 892, T replaced by A.
Protein change: p.Leu298Ile; replaces leucine 298 with isoleucine.
Molecular consequence: missense variant.
Genome position (GRCh38, 1-based): chr8:17,280,289, T>A. VCF-style: chr8-17280289-T-A. GRCh37 (hg19) VCF-style: chr8-17137798-T-A.
Other names: c.892T>A (NM_152415.2); c.817T>A, p.Leu273Ile (NM_001145152.2); c.892T>A, p.Leu298Ile (NM_001363167.1, NM_001363173.2); c.622T>A, p.Leu208Ile (NM_001363168.1, NM_001363169.1, NM_001363170.1 and 2 more transcripts); short protein forms L273I, L208I, L298I.
Identifiers: ClinVar variation 1416573 (VCV001416573.7), dbSNP rs750264592, ClinGen allele CA4643535.
Genomic context (GRCh38, chr8:17,280,289, plus strand): 5'-TATCTTACAGGAAAAAATCTCCTTTTGGAGCCCAGCTTGGAAGCCAAAAGACAAACTGTT[T>A]TAGATAAGGTGAGTTAGTGATAATTTTGAAGAAATTTACATAATTTAAAAATAGAATAAA-3'
Protein context (NP_689628.2, residues 288-308): PSLEAKRQTV[Leu298Ile]DKYELLTQMK

ClinVar aggregate classification (germline): Uncertain significance. Review status: criteria provided, multiple submitters, no conflicts (2 of 4 stars). 2 submissions from 2 submitters: Uncertain significance (2). Last evaluated 2023-06-01.

Conditions:
Hereditary spastic paraplegia 53. Also called: Spastic paraplegia 53, autosomal recessive. Identifiers: Orphanet 319199, MedGen C3539494, MONDO:0013962, OMIM 614898.

Allele frequency attached by ClinVar (database versions not stated): gnomAD 0.00004 and 0.00008; TOPMed 0.00004; gnomAD exomes 0.00010 and 0.00017; ExAC 0.00023.
gnomAD v4.1: 150 of 1,612,330 alleles (0.0093%); highest among the groups gnomAD compares: South Asian, 0.14%; 3 homozygotes.

Submissions (2):

Labcorp Genetics (formerly Invitae), Labcorp
Classification: Uncertain significance for Hereditary spastic paraplegia 53. Last evaluated: 2023-06-01. Review status: criteria provided, single submitter. Criteria: Invitae Variant Classification Sherloc (09022015). Collection method: clinical testing. Allele origin: germline.
Comment: In summary, the available evidence is currently insufficient to determine the role of this variant in disease. Therefore, it has been classified as a Variant of Uncertain Significance. Advanced modeling of protein sequence and biophysical properties (such as structural, functional, and spatial information, amino acid conservation, physicochemical variation, residue mobility, and thermodynamic stability) performed at Invitae indicates that this missense variant is not expected to disrupt VPS37A protein function. ClinVar contains an entry for this variant (Variation ID: 1416573). This missense change has been observed in individual(s) with clinical features of VPS37A-related conditions (PMID: 34779508). This variant is present in population databases (rs750264592, gnomAD 0.1%), and has an allele count higher than expected for a pathogenic variant. This sequence change replaces leucine, which is neutral and non-polar, with isoleucine, which is neutral and non-polar, at codon 298 of the VPS37A protein (p.Leu298Ile).

Ambry Genetics
Classification: Uncertain significance. Last evaluated: 2021-08-12. Review status: criteria provided, single submitter. Criteria: Ambry Variant Classification Scheme 2023. Collection method: clinical testing. Allele origin: germline.

Literature cited by the submitters: PubMed 34779508 (cited by Labcorp Genetics (formerly Invitae), Labcorp).